The following is an entry in ClinVar:

ClinVar aggregate classification (germline): Pathogenic/Likely pathogenic. Review status: criteria provided, multiple submitters, no conflicts (2 of 4 stars). 3 submissions from 3 submitters: Pathogenic (2); Likely pathogenic (1). Last evaluated 2025-11-06.

Conditions:
Hereditary cancer-predisposing syndrome. Also called: Neoplastic Syndromes, Hereditary; Hereditary neoplastic syndrome; Tumor predisposition; Hereditary Cancer Syndrome. Identifiers: Orphanet 140162, MedGen C0027672, MeSH D009386, MONDO:0015356.
Cardiovascular phenotype. Identifiers: MedGen CN230736.
Neurofibromatosis, type 1 (NF1). Also called: VON RECKLINGHAUSEN DISEASE; Peripheral type neurofibromatosis; NEUROFIBROMATOSIS, TYPE I, SOMATIC; Neurofibromatosis, type I. Identifiers: Orphanet 636, MedGen C0027831, MONDO:0018975, OMIM 162200. Disease mechanism: loss of function.

Submissions (3):

Ambry Genetics
Classification: Pathogenic for Cardiovascular phenotype; Hereditary cancer-predisposing syndrome. Last evaluated: 2025-11-06. Review status: criteria provided, single submitter. Criteria: Ambry Variant Classification Scheme 2023. Collection method: clinical testing. Allele origin: germline.
Comment: The c.2158delC pathogenic mutation, located in coding exon 18 of the NF1 gene, results from a deletion of one nucleotide at nucleotide position 2158, causing a translational frameshift with a predicted alternate stop codon (p.R720Gfs*28). This variant is considered to be rare based on population cohorts in the Genome Aggregation Database (gnomAD). This alteration is expected to result in loss of function by premature protein truncation or nonsense-mediated mRNA decay. As such, this alteration is interpreted as a disease-causing mutation.

Labcorp Genetics (formerly Invitae), Labcorp
Classification: Pathogenic for Neurofibromatosis, type 1. Last evaluated: 2023-12-18. Review status: criteria provided, single submitter. Criteria: Invitae Variant Classification Sherloc (09022015). Collection method: clinical testing. Allele origin: germline.
Comment: This sequence change creates a premature translational stop signal (p.Arg720Glyfs*28) in the NF1 gene. It is expected to result in an absent or disrupted protein product. Loss-of-function variants in NF1 are known to be pathogenic (PMID: 10712197, 23913538). This variant is not present in population databases (gnomAD no frequency). This variant has not been reported in the literature in individuals affected with NF1-related conditions. ClinVar contains an entry for this variant (Variation ID: 1074282). RNA analysis provides insufficient evidence to determine the effect of this variant on NF1 splicing (Invitae). For these reasons, this variant has been classified as Pathogenic.

Quest Diagnostics Nichols Institute San Juan Capistrano
Classification: Likely pathogenic. Last evaluated: 2021-07-27. Review status: criteria provided, single submitter. Criteria: Quest Diagnostics criteria. Collection method: clinical testing. Allele origin: unknown.
Comment: This frameshift variant is predicted to cause the premature termination of NF1 protein synthesis. To the best of our knowledge, the variant has not been reported in the published literature. Based on the available information, this variant is classified as likely pathogenic.

Literature cited by the submitters: PubMed 10712197 (cited by Labcorp Genetics (formerly Invitae), Labcorp); PubMed 23913538 (cited by Labcorp Genetics (formerly Invitae), Labcorp).

NM_001042492.3(NF1):c.2158del (p.Arg720fs)

Gene: NF1 (neurofibromin 1; plus strand). Cytogenetic location: 17q11.2.
Variant type: Deletion.
Coding change: c.2158del on transcript NM_001042492.3 (MANE Select); coding-DNA position 2158, one base deleted (C; older notation c.2158delC).
Protein change: p.Arg720fs; shifts the reading frame from arginine 720.
Molecular consequence: frameshift variant.
Genome position (GRCh38, 1-based): chr17:31,226,591, C deleted; the last of 2 consecutive C bases (chr17:31,226,590-31,226,591); deleting either gives the same sequence. VCF-style (leftmost placement, unchanged base first): chr17-31226589-TC-T. GRCh37 (hg19) VCF-style: chr17-29553607-TC-T.
Other names: c.2158delC (NM_000267.3); c.2158delC, p.Arg720Glyfs (NM_000267.4); short protein forms R720fs.
Identifiers: ClinVar variation 1074282 (VCV001074282.9), dbSNP rs1597712619, ClinGen allele CA2499224046.